The following is an entry in ClinVar:

NM_000417.3(IL2RA):c.107T>C (p.Phe36Ser)

Gene: IL2RA (interleukin 2 receptor subunit alpha; minus strand). Cytogenetic location: 10p15.1.
Variant type: single nucleotide variant.
Coding change: c.107T>C on transcript NM_000417.3 (MANE Select); coding-DNA position 107, T replaced by C.
Protein change: p.Phe36Ser; replaces phenylalanine 36 with serine.
Molecular consequence: missense variant.
Genome position (GRCh38, 1-based): chr10:6,025,983, A>G on the plus strand (T>C on the coding strand, the complement: IL2RA is on the minus strand). VCF-style: chr10-6025983-A-G. GRCh37 (hg19) VCF-style: chr10-6067946-A-G.
Other names: c.107T>C, p.Phe36Ser (NM_001308242.2, NM_001308243.2); c.107T>C (NM_000417.2); short protein forms F36S.
Identifiers: ClinVar variation 1374040 (VCV001374040.7), dbSNP rs1839477553, ClinGen allele CA375931097.

ClinVar aggregate classification (germline): Uncertain significance. Review status: criteria provided, multiple submitters, no conflicts (2 of 4 stars). 2 submissions from 2 submitters: Uncertain significance (2). Last evaluated 2023-12-20.

Conditions:
Immunodeficiency due to CD25 deficiency. Also called: IL2RA DEFICIENCY; IMMUNODEFICIENCY 41 WITH LYMPHOPROLIFERATION AND AUTOIMMUNITY; CD25 DEFICIENCY. Identifiers: Orphanet 169100, MedGen C1853392, MONDO:0011664, OMIM 606367.

Allele frequency attached by ClinVar (database versions not stated): TOPMed below 0.00001.

Submissions (2):

Ambry Genetics
Classification: Uncertain significance. Last evaluated: 2023-12-20. Review status: criteria provided, single submitter. Criteria: Ambry Variant Classification Scheme 2023. Collection method: clinical testing. Allele origin: germline.

Labcorp Genetics (formerly Invitae), Labcorp
Classification: Uncertain significance for Immunodeficiency due to CD25 deficiency. Last evaluated: 2021-11-27. Review status: criteria provided, single submitter. Criteria: Invitae Variant Classification Sherloc (09022015). Collection method: clinical testing. Allele origin: germline.
Comment: In summary, the available evidence is currently insufficient to determine the role of this variant in disease. Therefore, it has been classified as a Variant of Uncertain Significance. Algorithms developed to predict the effect of missense changes on protein structure and function output the following: SIFT: "Deleterious"; PolyPhen-2: "Possibly Damaging"; Align-GVGD: "Class C0". The serine amino acid residue is found in multiple mammalian species, which suggests that this missense change does not adversely affect protein function. This variant has not been reported in the literature in individuals affected with IL2RA-related conditions. This variant is not present in population databases (gnomAD no frequency). This sequence change replaces phenylalanine, which is neutral and non-polar, with serine, which is neutral and polar, at codon 36 of the IL2RA protein (p.Phe36Ser).